The following is an entry in ClinVar:

ClinVar aggregate classification (germline): Uncertain significance (0 of 4 stars; one submission).

Conditions:
DHH-related disorder. Also called: DHH-related condition.

gnomAD v4.1: 1 of 1,605,368 alleles (0.000062%); highest among the groups gnomAD compares: Admixed American, 0.0017%; no homozygotes.

Submission:

PreventionGenetics, part of Exact Sciences
Classification: Uncertain significance for DHH-related condition. Last evaluated: 2024-05-15. Review status: no assertion criteria provided. Collection method: clinical testing. Allele origin: germline.
Comment: The DHH c.596G>A variant is predicted to result in the amino acid substitution p.Cys199Tyr. To our knowledge, this variant has not been reported in the literature. This variant is reported in 0.0029% of alleles in individuals of Latino descent in gnomAD. Although we suspect that this variant may be pathogenic, at this time, the clinical significance of this variant is uncertain due to the absence of conclusive functional and genetic evidence.

NM_021044.4(DHH):c.596G>A (p.Cys199Tyr)

Gene: DHH (desert hedgehog signaling molecule; minus strand). Cytogenetic location: 12q13.12.
Variant type: single nucleotide variant.
Coding change: c.596G>A on transcript NM_021044.4 (MANE Select); coding-DNA position 596, G replaced by A.
Protein change: p.Cys199Tyr; replaces cysteine 199 with tyrosine.
Molecular consequence: missense variant.
Genome position (GRCh38, 1-based): chr12:49,090,454, C>T on the plus strand (G>A on the coding strand, the complement: DHH is on the minus strand). VCF-style: chr12-49090454-C-T. GRCh37 (hg19) VCF-style: chr12-49484237-C-T.
Other names: short protein forms C199Y.
Identifiers: ClinVar variation 3345457 (VCV003345457.1).
Genomic context (GRCh38, chr12:49,090,454, plus strand): 5'-AGTTCCCGCAGCCCTTTCCGCTCGCCGCTCCACAGGCGCACAGTTGCATTTCCCGGAAAG[C>T]AGCCGCCCGCCCGGACCGCCAGTGAGTTATCTGCAGGGAACAACCACAGGGAGGATTGAA-3'
Protein context (NP_066382.1, residues 189-209): DNSLAVRAGG[Cys199Tyr]FPGNATVRLW